The following is an entry in ClinVar:

ClinVar aggregate classification (germline): Uncertain significance. Review status: criteria provided, multiple submitters, no conflicts (2 of 4 stars). 2 submissions from 2 submitters: Uncertain significance (2). Last evaluated 2022-11-02.

Conditions:
Myopathy, centronuclear, 2 (CNM2). Also called: MYOTUBULAR MYOPATHY, AUTOSOMAL RECESSIVE. Identifiers: Orphanet 169186, MedGen CN031787, MONDO:0009709, OMIM 255200.
Inborn genetic diseases. Identifiers: MedGen C0950123, MeSH D030342.

Submissions (2):

Labcorp Genetics (formerly Invitae), Labcorp
Classification: Uncertain significance for Myopathy, centronuclear, 2. Last evaluated: 2022-11-02. Review status: criteria provided, single submitter. Criteria: Invitae Variant Classification Sherloc (09022015). Collection method: clinical testing. Allele origin: germline.
Comment: This variant has not been reported in the literature in individuals affected with BIN1-related conditions. In summary, the available evidence is currently insufficient to determine the role of this variant in disease. Therefore, it has been classified as a Variant of Uncertain Significance. Advanced modeling of protein sequence and biophysical properties (such as structural, functional, and spatial information, amino acid conservation, physicochemical variation, residue mobility, and thermodynamic stability) performed at Invitae indicates that this missense variant is not expected to disrupt BIN1 protein function. This variant is not present in population databases (gnomAD no frequency). This sequence change replaces alanine, which is neutral and non-polar, with serine, which is neutral and polar, at codon 104 of the BIN1 protein (p.Ala104Ser).

Ambry Genetics
Classification: Uncertain significance for Inborn genetic diseases. Last evaluated: 2022-09-07. Review status: criteria provided, single submitter. Criteria: Ambry Variant Classification Scheme 2023. Collection method: clinical testing. Allele origin: germline.

NM_139343.3(BIN1):c.310G>T (p.Ala104Ser)

Gene: BIN1 (bridging integrator 1; minus strand). Cytogenetic location: 2q14.3.
Variant type: single nucleotide variant.
Coding change: c.310G>T on transcript NM_139343.3 (MANE Select); coding-DNA position 310, G replaced by T.
Protein change: p.Ala104Ser; replaces alanine 104 with serine.
Molecular consequence: missense variant.
Genome position (GRCh38, 1-based): chr2:127,070,558, C>A on the plus strand (G>T on the coding strand, the complement: BIN1 is on the minus strand). VCF-style: chr2-127070558-C-A. GRCh37 (hg19) VCF-style: chr2-127828134-C-A.
Other names: c.310G>T, p.Ala104Ser (NM_001320632.2, NM_001320633.2, NM_001320640.2 and 10 more transcripts); c.238G>T, p.Ala80Ser (NM_001320634.1); c.229G>T, p.Ala77Ser (NM_001320642.1); short protein forms A104S, A77S, A80S.
Identifiers: ClinVar variation 2311381 (VCV002311381.5), dbSNP rs754932468, ClinGen allele CA348369319.